The following is an entry in ClinVar:

NM_020806.5(GPHN):c.730-7G>T

Gene: GPHN (gephyrin; plus strand). Cytogenetic location: 14q23.3.
Variant type: single nucleotide variant.
Coding change: c.730-7G>T on transcript NM_020806.5 (MANE Select); 7 bases into the intron before coding-DNA position 730, G replaced by T.
Molecular consequence: intron variant.
Genome position (GRCh38, 1-based): chr14:66,924,187, G>T. VCF-style: chr14-66924187-G-T. GRCh37 (hg19) VCF-style: chr14-67390904-G-T.
Other names: c.768+1249G>T (NM_001377514.1, NM_001377519.1); c.729+1249G>T (NM_001377515.1, NM_001377516.1, NM_001377518.1 and 2 more transcripts).
Identifiers: ClinVar variation 2811965 (VCV002811965.3), dbSNP rs2549619525, ClinGen allele CA2625311563.

ClinVar aggregate classification (germline): Uncertain significance (1 of 4 stars; one submission).

Conditions:
Sulfite oxidase deficiency due to molybdenum cofactor deficiency type C. Also called: Molybdenum cofactor deficiency, complementation group C; Molybdenum cofactor deficiency C. Identifiers: Orphanet 308400, Orphanet 833, MedGen C1854990, MONDO:0014212, OMIM 615501.

Submission:

Labcorp Genetics (formerly Invitae), Labcorp
Classification: Uncertain significance for Sulfite oxidase deficiency due to molybdenum cofactor deficiency type C. Last evaluated: 2022-11-10. Review status: criteria provided, single submitter. Criteria: Invitae Variant Classification Sherloc (09022015). Collection method: clinical testing. Allele origin: germline.
Comment: In summary, the available evidence is currently insufficient to determine the role of this variant in disease. Therefore, it has been classified as a Variant of Uncertain Significance. Algorithms developed to predict the effect of sequence changes on RNA splicing suggest that this variant may disrupt the consensus splice site. This variant has not been reported in the literature in individuals affected with GPHN-related conditions. This variant is not present in population databases (gnomAD no frequency). This sequence change falls in intron 7 of the GPHN gene. It does not directly change the encoded amino acid sequence of the GPHN protein.